The following is an entry in ClinVar:

ClinVar aggregate classification (germline): Uncertain significance (1 of 4 stars; one submission).

gnomAD v4.1: 4 of 1,611,880 alleles (0.00025%); highest among the groups gnomAD compares: Non-Finnish European, 0.00034%; no homozygotes.

Submission:

Labcorp Genetics (formerly Invitae), Labcorp
Classification: Uncertain significance. Last evaluated: 2025-07-16. Review status: criteria provided, single submitter. Criteria: Invitae Variant Classification Sherloc (09022015). Collection method: clinical testing. Allele origin: germline.
Comment: This sequence change replaces isoleucine, which is neutral and non-polar, with valine, which is neutral and non-polar, at codon 1153 of the CACNA1D protein (p.Ile1153Val). This variant is present in population databases (rs779504539, gnomAD 0.002%). This variant has not been reported in the literature in individuals affected with CACNA1D-related conditions. ClinVar contains an entry for this variant (Variation ID: 1432204). Invitae Evidence Modeling of protein sequence and biophysical properties (such as structural, functional, and spatial information, amino acid conservation, physicochemical variation, residue mobility, and thermodynamic stability) indicates that this missense variant is not expected to disrupt CACNA1D protein function with a negative predictive value of 80%. In summary, the available evidence is currently insufficient to determine the role of this variant in disease. Therefore, it has been classified as a Variant of Uncertain Significance.

NM_001128840.3(CACNA1D):c.3397A>G (p.Ile1133Val)

Genes: CACNA1D (calcium voltage-gated channel subunit alpha1 D; plus strand), LOC129936904 (ATAC-STARR-seq lymphoblastoid active region 19969; plus strand). Cytogenetic location: 3p21.1.
Variant type: single nucleotide variant.
Coding change: c.3397A>G on transcript NM_001128840.3 (MANE Select); coding-DNA position 3397, A replaced by G.
Protein change: p.Ile1133Val; replaces isoleucine 1133 with valine.
Molecular consequence: missense variant.
Genome position (GRCh38, 1-based): chr3:53,749,350, A>G. VCF-style: chr3-53749350-A-G. GRCh37 (hg19) VCF-style: chr3-53783377-A-G.
Other names: c.3457A>G, p.Ile1153Val (NM_000720.4); c.3397A>G, p.Ile1133Val (NM_001128839.3); short protein forms I1153V, I1133V.
Identifiers: ClinVar variation 1432204 (VCV001432204.6), dbSNP rs779504539, ClinGen allele CA2454570.